The following is an entry in ClinVar:

ClinVar aggregate classification (germline): Likely pathogenic. Review status: reviewed by expert panel (3 of 4 stars). 6 submissions from 6 submitters: Likely pathogenic (1). 5 of the submissions do not count toward it. Last evaluated 2026-07-06.

Conditions:
Glycogen storage disease, type II (IOPD). Also called: Glucosidase acid-1,4-alpha deficiency; CARDIOMEGALIA GLYCOGENICA DIFFUSA; GLYCOGENOSIS, GENERALIZED, CARDIAC FORM; GSD II; Glycogen storage disease type 2; Acid maltase deficiency disease. Identifiers: Orphanet 365, MedGen C0017921, MONDO:0009290, OMIM 232300.

Submissions (6):

ClinGen Lysosomal Storage Disorder Variant Curation Expert Panel
Classification: Likely pathogenic for Glycogen storage disease, type II. Last evaluated: 2026-07-06. Review status: reviewed by expert panel. Criteria: clingen_lsd_acmg_specifications_v2-1. Collection method: curation. Allele origin: germline. Inheritance: Autosomal recessive inheritance.
Comment: The NM_000152.5:c.736del (p.Leu246PhefsTer22) variant in GAA is a frameshift variant predicted to cause a premature stop codon in exon 4 out of a total of 20 exons, leading to nonsense mediated decay in a gene in which loss-of-function is an established disease mechanism (PVS1). The variant is absent in gnomAD v4.1.0. (PM2_Supporting). One patient with limb girdle muscular dystrophy was reported to be compound heterozygous for c.736delC and another variant in GAA that has been classified by the ClinGen LD VCEP as pathogenic, c.546G>A; the phase is unknown. However, because no additional information is available to support the diagnosis of Pompe disease, such as GAA deficiency, there is insufficient evidence to apply PM3 at this time. There is a ClinVar entry for this variant (Variation ID: 288505. In summary, this variant meets the criteria to be classified as likely pathogenic for Pompe disease. GAA-specific ACMG/AMP criteria applied, as specified by the ClinGen LSD VCEP Specifications Version 2.0): PVS1, PM2_Supporting. (Classification approved by the ClinGen Lysosomal Diseases VCEP on July 6, 2026).

Genomenon, Inc
Classification: Likely pathogenic for Glycogen storage disease, type II. Last evaluated: 2026-07-01. Review status: criteria provided, single submitter. Criteria: Genomenon Sequence Variant Interpretation Standards - Updated. Collection method: curation. Allele origin: germline. Affected: no. Not counted in ClinVar's aggregate classification.
Comment: GAA p.Leu246PhefsTer22 (c.736del) is a frameshift variant that is predicted to introduce a premature termination codon and result in a truncated or absent protein product. This variant has been reported in the published literature (PMID:39227307;30564623;33560568). It is absent or not present at a significant frequency in gnomAD. In conclusion, we classify GAA p.Leu246PhefsTer22 (c.736del) as a likely pathogenic variant.

Fulgent Genetics
Classification: Likely pathogenic for Glycogen storage disease, type II. Last evaluated: 2024-02-12. Review status: criteria provided, single submitter. Criteria: ACMG Guidelines, 2015. Collection method: clinical testing. Allele origin: germline. Not counted in ClinVar's aggregate classification.

Labcorp Genetics (formerly Invitae), Labcorp
Classification: Pathogenic for Glycogen storage disease, type II. Last evaluated: 2022-06-28. Review status: criteria provided, single submitter. Criteria: Invitae Variant Classification Sherloc (09022015). Collection method: clinical testing. Allele origin: germline. Not counted in ClinVar's aggregate classification.
Comment: For these reasons, this variant has been classified as Pathogenic. ClinVar contains an entry for this variant (Variation ID: 288505). This variant has not been reported in the literature in individuals affected with GAA-related conditions. This variant is not present in population databases (gnomAD no frequency). This sequence change creates a premature translational stop signal (p.Leu246Phefs*22) in the GAA gene. It is expected to result in an absent or disrupted protein product. Loss-of-function variants in GAA are known to be pathogenic (PMID: 18425781, 22252923).

Eurofins Ntd Llc (ga)
Classification: Pathogenic. Last evaluated: 2016-06-06. Review status: criteria provided, single submitter. Criteria: EGL Classification Definitions 2015. Collection method: clinical testing. Allele origin: germline. Observed: 2 variant alleles, 2 heterozygotes. Not counted in ClinVar's aggregate classification.

Counsyl
Classification: Likely pathogenic for Glycogen storage disease, type II. Last evaluated: 2016-03-18. Review status: no assertion criteria provided. Collection method: clinical testing. Allele origin: unknown. Not counted in ClinVar's aggregate classification.

Literature cited by the submitters: PubMed 39227307 (cited by Genomenon, Inc); PubMed 30564623 (cited by Genomenon, Inc); PubMed 33560568 (cited by Genomenon, Inc); PubMed 18425781 (cited by Labcorp Genetics (formerly Invitae), Labcorp); PubMed 22252923 (cited by Labcorp Genetics (formerly Invitae), Labcorp).

NM_000152.5(GAA):c.736del (p.Leu246fs)

Gene: GAA (alpha glucosidase; plus strand). Cytogenetic location: 17q25.3.
Variant type: Deletion.
Coding change: c.736del on transcript NM_000152.5 (MANE Select); coding-DNA position 736, one base deleted (C; older notation c.736delC).
Protein change: p.Leu246fs; shifts the reading frame from leucine 246.
Molecular consequence: frameshift variant.
Genome position (GRCh38, 1-based): chr17:80,107,600, C deleted; the last of 2 consecutive C bases (chr17:80,107,599-80,107,600); deleting either gives the same sequence. VCF-style (leftmost placement, unchanged base first): chr17-80107598-TC-T. GRCh37 (hg19) VCF-style: chr17-78081397-TC-T.
Other names: c.736del, p.Leu246fs (NM_001079803.3, NM_001079804.3); c.736del (LRG_673t1); short protein forms L246fs.
Identifiers: ClinVar variation 288505 (VCV000288505.21), dbSNP rs886043920, ClinGen allele CA10606113.
Genomic context (GRCh38, chr17:80,107,598, plus strand): 5'-GCTGGCCTCTGTCCCGCAGGCTGAACACGACGGTGGCGCCCCTGTTCTTTGCGGACCAGT[TC>T]CTTCAGCTGTCCACCTCGCTGCCCTCGCAGTATATCACAGGCCTCGCCGAGCACCTCAGT-3'